The following is an entry in ClinVar:

ClinVar aggregate classification (germline): Uncertain significance (1 of 4 stars; one submission).

Conditions:
Hereditary cancer-predisposing syndrome. Also called: Hereditary Cancer Syndrome; Hereditary neoplastic syndrome; Neoplastic Syndromes, Hereditary; Tumor predisposition. Identifiers: Orphanet 140162, MedGen C0027672, MeSH D009386, MONDO:0015356.

Submission:

Ambry Genetics
Classification: Uncertain significance for Hereditary cancer-predisposing syndrome. Last evaluated: 2021-07-07. Review status: criteria provided, single submitter. Criteria: Ambry Variant Classification Scheme 2023. Collection method: clinical testing. Allele origin: germline.
Comment: The c.4270_4275delGAGGAG variant (also known as p.E1424_E1425del) is located in coding exon 22 of the DICER1 gene. This variant results from an in-frame GAGGAG deletion at nucleotide positions 4270 to 4275. This results in the in-frame deletion of two glutamic acid residues at codons 1424 to 1425. These amino acid positions are not well conserved in available vertebrate species. In addition, this alteration is predicted to be neutral by in silico analysis (Choi Y et al. PLoS ONE. 2012; 7(10):e46688). Since supporting evidence is limited at this time, the clinical significance of this alteration remains unclear.

NM_177438.3(DICER1):c.4264GAG[2] (p.Glu1424_Glu1425del)

Gene: DICER1 (dicer 1, ribonuclease III; minus strand). Cytogenetic location: 14q32.13.
Variant type: Microsatellite.
Coding change: c.4264GAG[2] on transcript NM_177438.3 (MANE Select); two copies in a row of the 3-base unit GAG starting at c.4264; the reference has four copies in a row; two copies, 6 bases deleted.
Protein change: p.Glu1424_Glu1425del.
Molecular consequence: inframe deletion. On other transcripts: frameshift variant (3), non-coding transcript variant (6).
Genome position (GRCh38, 1-based): chr14:95,096,645-95,096,650, CTCCTC deleted on the plus strand (GAGGAG on the coding strand, the reverse complement: DICER1 is on the minus strand); deleting any 6 consecutive bases within chr14:95,096,645-95,096,656 gives the same sequence; the position shown is the placement nearest the transcript's 3' end. VCF-style (leftmost placement, unchanged base first): chr14-95096644-TCTCCTC-T. GRCh37 (hg19) VCF-style: chr14-95562981-TCTCCTC-T.
Other names: c.4264GAG[2], p.Glu1424_Glu1425del (NM_001195573.1, NM_001271282.3, NM_001291628.2 and 12 more transcripts); c.4264_4266GAG[2], p.Glu1424Profs (NM_001395681.1, NM_177438.2); c.3982GAG[2], p.Glu1330_Glu1331del (NM_001395686.1); c.3859GAG[2], p.Glu1289_Glu1290del (NM_001395687.1, NM_001395688.1, NM_001395689.1 and 2 more transcripts); c.3697GAG[2], p.Glu1235_Glu1236del (NM_001395691.1); c.2581GAG[2], p.Glu863_Glu864del (NM_001395697.1); c.4270_4275delGAGGAG (NM_177438.2).
Identifiers: ClinVar variation 1739258 (VCV001739258.2), dbSNP rs751284020, ClinGen allele CA2580612811.